The following is an entry in ClinVar:

ClinVar aggregate classification (germline): Uncertain significance (1 of 4 stars; one submission).

Submission:

Mayo Clinic Laboratories, Mayo Clinic
Classification: Uncertain significance. Last evaluated: 2025-04-21. Review status: criteria provided, single submitter. Criteria: ACMG Guidelines, 2015. Collection method: clinical testing. Allele origin: germline. Observed: 2 variant alleles.
Comment: PP1_moderate, PP3, PM2_supporting

NM_001355436.2(SPTB):c.6023-30G>A

Gene: SPTB (spectrin beta, erythrocytic; minus strand). Cytogenetic location: 14q23.3.
Variant type: single nucleotide variant.
Coding change: c.6023-30G>A on transcript NM_001355436.2 (MANE Select); 30 bases into the intron before coding-DNA position 6023, G replaced by A.
Molecular consequence: intron variant.
Genome position (GRCh38, 1-based): chr14:64,767,889, C>T on the plus strand (G>A on the coding strand, the complement: SPTB is on the minus strand). VCF-style: chr14-64767889-C-T. GRCh37 (hg19) VCF-style: chr14-65234607-C-T.
Other names: p.?; c.6023-30G>A (NM_001024858.4, NM_001355437.2).
Identifiers: ClinVar variation 3380200 (VCV003380200.2).